The following is an entry in ClinVar:

NM_001261826.3(AP3D1):c.273+6G>T

Gene: AP3D1 (adaptor related protein complex 3 subunit delta 1; minus strand). Cytogenetic location: 19p13.3.
Variant type: single nucleotide variant.
Coding change: c.273+6G>T on transcript NM_001261826.3 (MANE Select); 6 bases into the intron after coding-DNA position 273, G replaced by T.
Molecular consequence: intron variant.
Genome position (GRCh38, 1-based): chr19:2,137,721, C>A on the plus strand (G>T on the coding strand, the complement: AP3D1 is on the minus strand). VCF-style: chr19-2137721-C-A. GRCh37 (hg19) VCF-style: chr19-2137720-C-A.
Other names: p.?; c.273+6G>T (NM_003938.8, NM_001374799.1).
Identifiers: ClinVar variation 736262 (VCV000736262.12), dbSNP rs191366116, ClinGen allele CA9059805.

ClinVar aggregate classification (germline): Benign/Likely benign. Review status: criteria provided, multiple submitters, no conflicts (2 of 4 stars). 4 submissions from 4 submitters: Benign (1); Likely benign (3). Last evaluated 2026-01-06.

Allele frequency attached by ClinVar (database versions not stated): gnomAD exomes 0.00017; ExAC 0.00024; ESP Exome Variant Server 0.00049; gnomAD 0.00072 and 0.00075; TOPMed 0.00076; 1000 Genomes Project 30x 0.00078; 1000 Genomes Project 0.00100.

Submissions (4):

Labcorp Genetics (formerly Invitae), Labcorp
Classification: Likely benign. Last evaluated: 2026-01-06. Review status: criteria provided, single submitter. Criteria: Invitae Variant Classification Sherloc (09022015). Collection method: clinical testing. Allele origin: germline.

Women's Health and Genetics/Laboratory Corporation of America, LabCorp
Classification: Benign. Last evaluated: 2025-10-09. Review status: criteria provided, single submitter. Criteria: LabCorp Variant Classification Summary - May 2015. Collection method: clinical testing. Allele origin: germline.
Comment: Variant summary: AP3D1 c.273+6G>T alters a conserved nucleotide located close to a canonical splice site and therefore could affect mRNA splicing, leading to a significantly altered protein sequence. Consensus agreement among computation tools predict no significant impact on normal splicing. However, these predictions have yet to be confirmed by functional studies. The variant allele was found at a frequency of 0.00017 in 249468 control chromosomes, predominantly at a frequency of 0.0025 within the African or African-American subpopulation in the gnomAD database. The observed variant frequency within African or African-American control individuals in the gnomAD database exceeds the estimated maximal expected allele frequency for disease-causing variants in AP3D1. To our knowledge, no occurrence of c.273+6G>T in individuals affected with AP3D1-related conditions and no experimental evidence demonstrating its impact on protein function have been reported. ClinVar contains an entry for this variant (Variation ID: 736262). Based on the evidence outlined above, the variant was classified as benign.

Mayo Clinic Laboratories, Mayo Clinic
Classification: Likely benign. Last evaluated: 2025-01-13. Review status: criteria provided, single submitter. Criteria: ACMG Guidelines, 2015. Collection method: clinical testing. Allele origin: germline. Observed: 2 variant alleles.
Comment: BP4, BP7

Blueprint Genetics
Classification: Likely benign. Last evaluated: 2024-05-02. Review status: criteria provided, single submitter. Criteria: ACMG Guidelines, 2015. Collection method: clinical testing. Allele origin: germline.